The following is an entry in ClinVar:

ClinVar aggregate classification (germline): Benign (0 of 4 stars; one submission).

Conditions:
JMJD7-PLA2G4B-related disorder. Also called: JMJD7-PLA2G4B-related condition.

Allele frequency attached by ClinVar (database versions not stated): ExAC 0.00179; 1000 Genomes Project 30x 0.00390; 1000 Genomes Project 0.00439; gnomAD 0.00617; TOPMed 0.00677; ESP Exome Variant Server 0.00684.

Submission:

PreventionGenetics, part of Exact Sciences
Classification: Benign for JMJD7-PLA2G4B-related condition. Last evaluated: 2019-11-13. Review status: no assertion criteria provided. Collection method: clinical testing. Allele origin: germline.
Comment: This variant is classified as benign based on ACMG/AMP sequence variant interpretation guidelines (Richards et al. 2015 PMID: 25741868, with internal and published modifications).

NM_005090.4(JMJD7-PLA2G4B):c.2740A>C (p.Thr914Pro)

Genes: JMJD7-PLA2G4B (JMJD7-PLA2G4B readthrough; plus strand), PLA2G4B (phospholipase A2 group IVB; plus strand). Cytogenetic location: 15q15.1.
Variant type: single nucleotide variant.
Coding change: c.2740A>C on transcript NM_005090.4; coding-DNA position 2740, A replaced by C.
Protein change: p.Thr914Pro; replaces threonine 914 with proline.
Molecular consequence: missense variant. On other transcripts: intron variant (1).
Genome position (GRCh38, 1-based): chr15:41,847,436, A>C. VCF-style: chr15-41847436-A-C. GRCh37 (hg19) VCF-style: chr15-42139634-A-C.
Other names: c.2047A>C, p.Thr683Pro (NM_001114633.2); c.2641-213A>C (NM_001198588.2); short protein forms T683P, T914P.
Identifiers: ClinVar variation 3050399 (VCV003050399.2), dbSNP rs140993094, ClinGen allele CA7500391.